The following is an entry in ClinVar:

ClinVar aggregate classification (germline): Pathogenic (1 of 4 stars; one submission).

Conditions:
Joubert syndrome. Also called: Familial aplasia of the vermis; CEREBELLOPARENCHYMAL DISORDER IV; JOUBERT-BOLTSHAUSER SYNDROME. Identifiers: Orphanet 475, MedGen C5979921, MONDO:0018772.
Meckel-Gruber syndrome. Also called: Dysencephalia splachnocystica; DYSENCEPHALIA SPLANCHNOCYSTICA; GRUBER SYNDROME. Identifiers: Orphanet 564, MedGen C0265215, MONDO:0018921.
Nephronophthisis. Also called: Juvenile Nephronophthisis. Identifiers: Orphanet 655, MedGen C0687120, MONDO:0019005, HP:0000090.

Submission:

Labcorp Genetics (formerly Invitae), Labcorp
Classification: Pathogenic for Joubert syndrome; Meckel-Gruber syndrome; Nephronophthisis. Last evaluated: 2022-02-20. Review status: criteria provided, single submitter. Criteria: Invitae Variant Classification Sherloc (09022015). Collection method: clinical testing. Allele origin: germline.
Comment: This sequence change creates a premature translational stop signal (p.Ala1192Hisfs*21) in the CEP290 gene. It is expected to result in an absent or disrupted protein product. Loss-of-function variants in CEP290 are known to be pathogenic (PMID: 16909394, 17345604, 20690115). This variant is not present in population databases (gnomAD no frequency). This variant has not been reported in the literature in individuals affected with CEP290-related conditions. This variant is also known as c.3573+1del. ClinVar contains an entry for this variant (Variation ID: 1072340). Algorithms developed to predict the effect of sequence changes on RNA splicing suggest that this variant may disrupt the consensus splice site. For these reasons, this variant has been classified as Pathogenic.

Literature cited by the submitters: PubMed 16909394; PubMed 17345604; PubMed 20690115.

NM_025114.4(CEP290):c.3573+1del

Gene: CEP290 (centrosomal protein 290; minus strand). Cytogenetic location: 12q21.32.
Variant type: Deletion.
Coding change: c.3573+1del on transcript NM_025114.4 (MANE Select); the canonical splice donor site of the intron after coding-DNA position 3573, one base deleted (G; older notation c.3573+1delG).
Molecular consequence: splice donor variant.
Genome position (GRCh38, 1-based): chr12:88,090,727, C deleted on the plus strand (G on the coding strand, the reverse complement: CEP290 is on the minus strand); the first of 2 consecutive C bases (chr12:88,090,727-88,090,728); deleting either gives the same sequence. VCF-style (leftmost placement, unchanged base first): chr12-88090726-AC-A. GRCh37 (hg19) VCF-style: chr12-88484503-AC-A.
Identifiers: ClinVar variation 1072340 (VCV001072340.7), dbSNP rs2137301783, ClinGen allele CA2499221891.